The following is an entry in ClinVar:

NM_001365999.1(SZT2):c.8569G>A (p.Asp2857Asn)

Gene: SZT2 (SZT2 subunit of KICSTOR complex; plus strand). Cytogenetic location: 1p34.2.
Variant type: single nucleotide variant.
Coding change: c.8569G>A on transcript NM_001365999.1 (MANE Select); coding-DNA position 8569, G replaced by A.
Protein change: p.Asp2857Asn; replaces aspartic acid 2857 with asparagine.
Molecular consequence: missense variant.
Genome position (GRCh38, 1-based): chr1:43,443,421, G>A. VCF-style: chr1-43443421-G-A. GRCh37 (hg19) VCF-style: chr1-43909092-G-A.
Other names: p.Asp2800Asn; c.8398G>A, p.Asp2800Asn (NM_015284.4); short protein forms D2857N, D2800N.
Identifiers: ClinVar variation 965288 (VCV000965288.7), dbSNP rs764009102, ClinGen allele CA810601.
Genomic context (GRCh38, chr1:43,443,421, plus strand): 5'-CTGGAGACCCTGAAGCAGTCATCCCGCCTGGTGCATTACTGTGCAACAGCCATGCTCTTC[G>A]ACCCAGCTGCCTGGCTGCATGGGCCCCCAGAGACCTCTGGACCCCCTGACGGGCAGGTAA-3'
Protein context (NP_001352928.1, residues 2847-2867): VHYCATAMLF[Asp2857Asn]PAAWLHGPPE

ClinVar aggregate classification (germline): Uncertain significance. Review status: criteria provided, multiple submitters, no conflicts (2 of 4 stars). 2 submissions from 2 submitters: Uncertain significance (2). Last evaluated 2022-04-19.

Allele frequency attached by ClinVar (database versions not stated): gnomAD 0.00001 and 0.00002; gnomAD exomes 0.00001 and 0.00003; TOPMed 0.00001; ExAC 0.00002.
gnomAD v4.1: 17 of 1,614,022 alleles (0.0011%); highest among the groups gnomAD compares: Admixed American, 0.0017%; no homozygotes.

Submissions (2):

Mayo Clinic Laboratories, Mayo Clinic
Classification: Uncertain significance. Last evaluated: 2022-04-19. Review status: criteria provided, single submitter. Criteria: ACMG Guidelines, 2015. Collection method: clinical testing. Allele origin: germline. Observed: 1 variant allele.
Comment: BP4

Labcorp Genetics (formerly Invitae), Labcorp
Classification: Uncertain significance. Last evaluated: 2022-01-28. Review status: criteria provided, single submitter. Criteria: Invitae Variant Classification Sherloc (09022015). Collection method: clinical testing. Allele origin: germline.
Comment: This sequence change replaces aspartic acid, which is acidic and polar, with asparagine, which is neutral and polar, at codon 2800 of the SZT2 protein (p.Asp2800Asn). This variant is present in population databases (rs764009102, gnomAD 0.004%). This variant has not been reported in the literature in individuals affected with SZT2-related conditions. ClinVar contains an entry for this variant (Variation ID: 965288). Algorithms developed to predict the effect of missense changes on protein structure and function (SIFT, PolyPhen-2, Align-GVGD) all suggest that this variant is likely to be tolerated. In summary, the available evidence is currently insufficient to determine the role of this variant in disease. Therefore, it has been classified as a Variant of Uncertain Significance.